The following is an entry in ClinVar:

NM_018353.5(MIS18BP1):c.845A>C (p.Asn282Thr)

Gene: MIS18BP1 (MIS18 binding protein 1; minus strand). Cytogenetic location: 14q21.2.
Variant type: single nucleotide variant.
Coding change: c.845A>C on transcript NM_018353.5 (MANE Select); coding-DNA position 845, A replaced by C.
Protein change: p.Asn282Thr; replaces asparagine 282 with threonine.
Molecular consequence: missense variant.
Genome position (GRCh38, 1-based): chr14:45,242,332, T>G on the plus strand (A>C on the coding strand, the complement: MIS18BP1 is on the minus strand). VCF-style: chr14-45242332-T-G. GRCh37 (hg19) VCF-style: chr14-45711535-T-G.
Other names: short protein forms N282T.
Identifiers: ClinVar variation 2644213 (VCV002644213.24), dbSNP rs142747434, ClinGen allele CA7170759.
Genomic context (GRCh38, chr14:45,242,332, plus strand): 5'-ATTAACAGGCTGCCATTTTTAATAGGAATACAATTAGTACTGAGAGTCTCAGCATTAGTA[T>G]TTTGAAATTGTTCATCAGCAGAATCAACGCTTTCTAAAACAAACGTGTCCTTTTTGGATT-3'
Protein context (NP_060823.3, residues 272-292): SVDSADEQFQ[Asn282Thr]TNAETLSTNC

ClinVar aggregate classification (germline): Benign (1 of 4 stars; one submission).

Allele frequency attached by ClinVar (database versions not stated): gnomAD exomes 0.00086; gnomAD 0.00103; TOPMed 0.00109; ExAC 0.00115; ESP Exome Variant Server 0.00169.
gnomAD v4.1: 1,488 of 1,613,970 alleles (0.092%); highest among the groups gnomAD compares: Non-Finnish European, 0.034%; 11 homozygotes.

Submission:

CeGaT Center for Human Genetics Tuebingen
Classification: Benign. Last evaluated: 2023-10-01. Review status: criteria provided, single submitter. Criteria: CeGaT Center For Human Genetics Tuebingen Variant Classification Criteria Version 2. Collection method: clinical testing. Allele origin: germline. Affected: yes. Observed: 1 variant allele.
Comment: MIS18BP1: BP4, BS1, BS2